The following continues an entry in ClinVar:

NM_002693.3(POLG):c.1550G>T (p.Gly517Val)

Gene: POLG. ClinVar aggregate classification (germline): Benign/Likely benign. Benign (8); Likely benign (9).

Submissions 23 to 36 of 36:

Dr. Peter K. Rogan Lab, Western University
No classification provided (evidence only). Condition: Melanoma. Review status: no classification provided. Collection method: in vitro. Allele origin: not applicable. Functional consequence: retained intron. Not counted in ClinVar's aggregate classification.

Dr. Peter K. Rogan Lab, Western University
No classification provided (evidence only). Condition: Acute myeloid leukemia. Review status: no classification provided. Collection method: in vitro. Allele origin: not applicable. Functional consequence: retained intron. Not counted in ClinVar's aggregate classification.

Dr. Peter K. Rogan Lab, Western University
No classification provided (evidence only). Condition: Thyroid cancer, nonmedullary, 1. Review status: no classification provided. Collection method: in vitro. Allele origin: not applicable. Functional consequence: retained intron. Not counted in ClinVar's aggregate classification.

Dr. Peter K. Rogan Lab, Western University
No classification provided (evidence only). Condition: Sarcoma. Review status: no classification provided. Collection method: in vitro. Allele origin: not applicable. Functional consequence: retained intron. Not counted in ClinVar's aggregate classification.

Dr. Peter K. Rogan Lab, Western University
No classification provided (evidence only). Condition: Sarcoma. Review status: no classification provided. Collection method: in vitro. Allele origin: not applicable. Functional consequence: retained intron. Not counted in ClinVar's aggregate classification.

Dr. Peter K. Rogan Lab, Western University
No classification provided (evidence only). Condition: Ovarian serous cystadenocarcinoma. Review status: no classification provided. Collection method: in vitro. Allele origin: not applicable. Functional consequence: retained intron. Not counted in ClinVar's aggregate classification.

Dr. Peter K. Rogan Lab, Western University
No classification provided (evidence only). Condition: Adrenocortical carcinoma, hereditary. Review status: no classification provided. Collection method: in vitro. Allele origin: not applicable. Functional consequence: retained intron. Not counted in ClinVar's aggregate classification.

Dr. Peter K. Rogan Lab, Western University
No classification provided (evidence only). Condition: Uterine carcinosarcoma. Review status: no classification provided. Collection method: in vitro. Allele origin: not applicable. Functional consequence: retained intron. Not counted in ClinVar's aggregate classification.

Dr. Peter K. Rogan Lab, Western University
No classification provided (evidence only). Condition: Malignant tumor of esophagus. Review status: no classification provided. Collection method: in vitro. Allele origin: not applicable. Functional consequence: retained intron. Not counted in ClinVar's aggregate classification.

Dr. Peter K. Rogan Lab, Western University
No classification provided (evidence only). Condition: Malignant tumor of esophagus. Review status: no classification provided. Collection method: in vitro. Allele origin: not applicable. Functional consequence: retained intron. Not counted in ClinVar's aggregate classification.

GeneReviews
No classification provided. Condition: Mitochondrial disease. Review status: no classification provided. Collection method: literature only. Allele origin: unknown. Not counted in ClinVar's aggregate classification.

Genome Diagnostics Laboratory, University Medical Center Utrecht
Classification: Likely benign. Review status: no assertion criteria provided. Collection method: clinical testing. Allele origin: germline. Affected: yes. Study: VKGL Data-share Consensus. Not counted in ClinVar's aggregate classification.

Practice for Gait Abnormalities, David Pomarino, Competency Network Toe Walking C/o Practice Pomarino
Classification: Uncertain significance for Tip-toe gait. Last evaluated: 2021-02-04. Review status: flagged submission. Criteria: ACMG Guidelines, 2015. Collection method: clinical testing. Allele origin: unknown. Affected: yes. Observed: 2 variant alleles, 2 heterozygotes. Clinical features observed: Hypotonia (HP:0001252). Not counted in ClinVar's aggregate classification.
Comment: We conducted a clinical examination of patients about toe walking. The POLG c.1550G>T was detected in 2 patients. We also examined a control group of children without toe walking (100 children). In this group this variant could not be identified. Hereditary motor sensory neuropathy (HMSN), also known as Charcot-Marie-Tooth Disease (CMT), is the most commonly inherited peripheral polyneuropathy. It constitutes a group of inherited, progressive, motor and sensory peripheral nerve disorders with properties of demyelination, axonal degeneration, or both. It is classified by clinical characteristics, modes of inheritance, electrophysiologic features, metabolic defects, and specific gene markers. Our patients all walk on tiptoe, so they show similar symptoms. When we genetically test them with our toe walking panel, we find that around 90 per cent of them have a genetic variant that explains their toe walking. These can be assigned, for example, to the area of myopathies (such as variants of the COL6A3 gene), the area of hereditary neuropathies (such as variants of the KMT2C gene) or the area of metabolic diseases (such as variants of the PYGM gene). In a smaller group of patients with almost identical symptoms, no abnormality is found in the genes of our panel, but spastic paraplegia can be detected. In another small group of our toe walkers, no abnormalities can be detected in the genes analysed in our toe walking panel, nor do they suffer from spastic paraplegia, as is also the case with healthy children. In contrast to these, however, they show a tiptoe gait. These patients suffer from infantile cerebral palsy, in which toe walking can also be observed.
ClinVar note: Reason: Outlier claim with insufficient supporting evidence

Department of Neurology, University Hospital of Strasbourg
Classification: Pathogenic for Camptocormia. Last evaluated: 2012-01-01. Review status: flagged submission. Collection method: literature only. Allele origin: unknown. Affected: yes. Observed: 2 variant alleles. Not counted in ClinVar's aggregate classification.
ClinVar note: Reason: Older and outlier claim with insufficient supporting evidence

Literature cited by the submitters: PubMed 16621917 (cited by 6 submitters); PubMed 17452231 (cited by Athena Diagnostics); PubMed 18546365 (cited by Athena Diagnostics and Laboratory for Molecular Medicine, Mass General Brigham Personalized Medicine); PubMed 19189930 (cited by Athena Diagnostics and Laboratory for Molecular Medicine, Mass General Brigham Personalized Medicine); PubMed 19578034 (cited by Athena Diagnostics); PubMed 19752458 (cited by Athena Diagnostics); PubMed 19815814 (cited by Athena Diagnostics and Laboratory for Molecular Medicine, Mass General Brigham Personalized Medicine); PubMed 20803511 (cited by Athena Diagnostics); PubMed 28130605 (cited by Athena Diagnostics and Laboratory for Molecular Medicine, Mass General Brigham Personalized Medicine); PubMed 22647225 (cited by Athena Diagnostics); PubMed 20227526 (cited by Athena Diagnostics); PubMed 21856450 (cited by 4 submitters); PubMed 21880868 (cited by Athena Diagnostics and Eurofins Ntd Llc (ga)); PubMed 22727047 (cited by Athena Diagnostics); PubMed 23808377 (cited by Athena Diagnostics); PubMed 27271921 (cited by Athena Diagnostics); PubMed 23066759 (cited by Athena Diagnostics); PubMed 23545419 (cited by Athena Diagnostics); PubMed 25118206 (cited by Athena Diagnostics); PubMed 23921535 (cited by Athena Diagnostics); PubMed 21550804 (cited by Athena Diagnostics); PubMed 19359143 (cited by Athena Diagnostics); PubMed 20301791 (cited by GeneReviews); NCBI Bookshelf NBK26471 (cited by GeneReviews); PubMed 37091313 (cited by Practice for Gait Abnormalities, David Pomarino, Competency Network Toe Walking C/o Practice Pomarino).